The following is an entry in ClinVar:

NM_058246.4(DNAJB6):c.133A>G (p.Lys45Glu)

Gene: DNAJB6 (DnaJ heat shock protein family (Hsp40) member B6; plus strand). Cytogenetic location: 7q36.3.
Variant type: single nucleotide variant.
Coding change: c.133A>G on transcript NM_058246.4 (MANE Select); coding-DNA position 133, A replaced by G.
Protein change: p.Lys45Glu; replaces lysine 45 with glutamic acid.
Molecular consequence: missense variant.
Genome position (GRCh38, 1-based): chr7:157,363,228, A>G. VCF-style: chr7-157363228-A-G. GRCh37 (hg19) VCF-style: chr7-157155922-A-G.
Other names: c.133A>G, p.Lys45Glu (NM_001363676.1, NM_005494.3); short protein forms K45E.
Identifiers: ClinVar variation 651360 (VCV000651360.13), dbSNP rs749917279, ClinGen allele CA4590359.
Genomic context (GRCh38, chr7:157,363,228, plus strand): 5'-AAACTGGCACTGAAGTGGCATCCAGATAAAAATCCTGAGAATAAAGAAGAAGCAGAGAGA[A>G]AATTCAAGCAAGTAGCGGAGGCATATGAAGTGCTGTCGGATGGTGAGTGACAGCGAGCTG-3'
Protein context (NP_490647.1, residues 35-55): NPENKEEAER[Lys45Glu]FKQVAEAYEV

ClinVar aggregate classification (germline): Uncertain significance. Review status: criteria provided, multiple submitters, no conflicts (2 of 4 stars). 2 submissions from 2 submitters: Uncertain significance (2). Last evaluated 2025-09-20.

Conditions:
Autosomal dominant limb-girdle muscular dystrophy type 1D (DNAJB6) (LGMDD1). Also called: Autosomal dominant limb-girdle muscular dystrophy type 1D; MUSCULAR DYSTROPHY, LIMB-GIRDLE, TYPE 1D; Muscular dystrophy, limb-girdle, autosomal dominant 1; MUSCULAR DYSTROPHY, AUTOSOMAL DOMINANT, WITH RIMMED VACUOLES. Identifiers: Orphanet 34516, MedGen C4721885, MONDO:0021018, OMIM 603511.

Allele frequency attached by ClinVar (database versions not stated): ExAC 0.00001; gnomAD 0.00001; gnomAD exomes 0.00001 and 0.00002; TOPMed 0.00002.
gnomAD v4.1: 9 of 1,611,688 alleles (0.00056%); highest among the groups gnomAD compares: Admixed American, 0.015%; no homozygotes.

Submissions (2):

Labcorp Genetics (formerly Invitae), Labcorp
Classification: Uncertain significance for Autosomal dominant limb-girdle muscular dystrophy type 1D (DNAJB6). Last evaluated: 2025-09-20. Review status: criteria provided, single submitter. Criteria: Invitae Variant Classification Sherloc (09022015). Collection method: clinical testing. Allele origin: germline.
Comment: This sequence change replaces lysine, which is basic and polar, with glutamic acid, which is acidic and polar, at codon 45 of the DNAJB6 protein (p.Lys45Glu). This variant is present in population databases (rs749917279, gnomAD 0.01%). This variant has not been reported in the literature in individuals affected with DNAJB6-related conditions. This missense change has been observed in at least one individual who was not affected with DNAJB6-related conditions (internal data). ClinVar contains an entry for this variant (Variation ID: 651360). Invitae Evidence Modeling of protein sequence and biophysical properties (such as structural, functional, and spatial information, amino acid conservation, physicochemical variation, residue mobility, and thermodynamic stability) indicates that this missense variant is expected to disrupt DNAJB6 protein function with a positive predictive value of 80%. In summary, the available evidence is currently insufficient to determine the role of this variant in disease. Therefore, it has been classified as a Variant of Uncertain Significance.

Revvity Omics, Revvity
Classification: Uncertain significance for Autosomal dominant limb-girdle muscular dystrophy type 1D (DNAJB6). Last evaluated: 2020-03-25. Review status: criteria provided, single submitter. Criteria: ACMG Guidelines, 2015. Collection method: clinical testing. Allele origin: germline.